The following is an entry in ClinVar:

NM_000316.3(PTH1R):c.1753C>G (p.Leu585Val)

Gene: PTH1R (parathyroid hormone 1 receptor; plus strand). Cytogenetic location: 3p21.31.
Variant type: single nucleotide variant.
Coding change: c.1753C>G on transcript NM_000316.3 (MANE Select); coding-DNA position 1753, C replaced by G.
Protein change: p.Leu585Val; replaces leucine 585 with valine.
Molecular consequence: missense variant.
Genome position (GRCh38, 1-based): chr3:46,903,627, C>G. VCF-style: chr3-46903627-C-G. GRCh37 (hg19) VCF-style: chr3-46945117-C-G.
Other names: c.1753C>G, p.Leu585Val (NM_001184744.1); c.1753C>G (NM_000316.2); short protein forms L585V.
Identifiers: ClinVar variation 288224 (VCV000288224.10), dbSNP rs201474414, ClinGen allele CA2359620.

ClinVar aggregate classification (germline): Uncertain significance. Review status: criteria provided, multiple submitters, no conflicts (2 of 4 stars). 5 submissions from 5 submitters: Uncertain significance (5). Last evaluated 2025-04-11.

Conditions:
Inborn genetic diseases. Identifiers: MedGen C0950123, MeSH D030342.
Eiken syndrome (EKNS). Also called: BONE MODELING DEFECT OF HANDS AND FEET. Identifiers: Orphanet 79106, MedGen C1838779, MONDO:0010803, OMIM 600002.
Metaphyseal chondrodysplasia, Jansen type. Also called: PTH1R-Related Jansen Metaphyseal Chondrodysplasia; Metaphyseal chondrodysplasia Murk Jansen type. Identifiers: Orphanet 33067, MedGen C0265295, MONDO:0007982, OMIM 156400.
Primary failure of tooth eruption. Also called: DENTAL NONERUPTION; POSTERIOR OPENBITE MALOCCLUSION, FAMILIAL; PRIMARY RETENTION OF TEETH; UNERUPTED SECOND PRIMARY MOLAR. Identifiers: Orphanet 412206, MedGen C1852222, MONDO:0007434, OMIM 125350.
Chondrodysplasia Blomstrand type (BOCD). Identifiers: Orphanet 50945, MedGen C1859148, MONDO:0008970, OMIM 215045.

Allele frequency attached by ClinVar (database versions not stated): gnomAD exomes 0.00001 and 0.00003; gnomAD 0.00002 and 0.00004; TOPMed 0.00002; ExAC 0.00003.
gnomAD v4.1: 26 of 1,611,790 alleles (0.0016%); highest among the groups gnomAD compares: Middle Eastern, 0.033%; no homozygotes.

Submissions (5):

Ambry Genetics
Classification: Uncertain significance for Inborn genetic diseases. Last evaluated: 2025-04-11. Review status: criteria provided, single submitter. Criteria: Ambry Variant Classification Scheme 2023. Collection method: clinical testing. Allele origin: germline.

Labcorp Genetics (formerly Invitae), Labcorp
Classification: Uncertain significance. Last evaluated: 2025-01-30. Review status: criteria provided, single submitter. Criteria: Invitae Variant Classification Sherloc (09022015). Collection method: clinical testing. Allele origin: germline.
Comment: This sequence change replaces leucine, which is neutral and non-polar, with valine, which is neutral and non-polar, at codon 585 of the PTH1R protein (p.Leu585Val). This variant is present in population databases (rs201474414, gnomAD 0.01%). This variant has not been reported in the literature in individuals affected with PTH1R-related conditions. ClinVar contains an entry for this variant (Variation ID: 288224). An algorithm developed to predict the effect of missense changes on protein structure and function (PolyPhen-2) suggests that this variant is likely to be tolerated. Algorithms developed to predict the effect of sequence changes on RNA splicing suggest that this variant may create or strengthen a splice site. In summary, the available evidence is currently insufficient to determine the role of this variant in disease. Therefore, it has been classified as a Variant of Uncertain Significance.

Fulgent Genetics
Classification: Uncertain significance for Primary failure of tooth eruption; Metaphyseal chondrodysplasia, Jansen type; Chondrodysplasia Blomstrand type; Eiken syndrome. Last evaluated: 2021-12-23. Review status: criteria provided, single submitter. Criteria: ACMG Guidelines, 2015. Collection method: clinical testing. Allele origin: unknown.

Eurofins Ntd Llc (ga)
Classification: Uncertain significance. Last evaluated: 2016-06-22. Review status: criteria provided, single submitter. Criteria: EGL Classification Definitions 2015. Collection method: clinical testing. Allele origin: germline. Observed: 1 variant allele, 1 heterozygote.

Breakthrough Genomics
Classification: Uncertain significance. Review status: criteria provided, single submitter. Criteria: ACMG Guidelines, 2015. Collection method: not provided. Allele origin: germline. Inheritance: Autosomal recessive inheritance. Affected: yes.